The following is an entry in ClinVar:

ClinVar aggregate classification (germline): Uncertain significance. Review status: criteria provided, multiple submitters, no conflicts (2 of 4 stars). 2 submissions from 2 submitters: Uncertain significance (2). Last evaluated 2022-09-20.

Allele frequency attached by ClinVar (database versions not stated): gnomAD exomes 0.00001 and below 0.00001; ExAC 0.00001; gnomAD 0.00001; TOPMed 0.00001.
gnomAD v4.1: 17 of 1,597,046 alleles (0.0011%); highest among the groups gnomAD compares: Non-Finnish European, 0.0014%; no homozygotes.

Submissions (2):

Blueprint Genetics
Classification: Uncertain significance. Last evaluated: 2022-09-20. Review status: criteria provided, single submitter. Criteria: ACMG Guidelines, 2015. Collection method: clinical testing. Allele origin: germline.

Labcorp Genetics (formerly Invitae), Labcorp
Classification: Uncertain significance. Last evaluated: 2022-03-09. Review status: criteria provided, single submitter. Criteria: Invitae Variant Classification Sherloc (09022015). Collection method: clinical testing. Allele origin: germline.
Comment: Algorithms developed to predict the effect of sequence changes on RNA splicing suggest that this variant is not likely to affect RNA splicing. This sequence change affects codon 652 of the RIMS1 mRNA. It is a 'silent' change, meaning that it does not change the encoded amino acid sequence of the RIMS1 protein. It affects a nucleotide within the consensus splice site. This variant is present in population databases (rs764354585, gnomAD 0.0009%). This variant has not been reported in the literature in individuals affected with RIMS1-related conditions. ClinVar contains an entry for this variant (Variation ID: 960771). In summary, the available evidence is currently insufficient to determine the role of this variant in disease. Therefore, it has been classified as a Variant of Uncertain Significance.

NM_014989.7(RIMS1):c.1956A>G (p.Ala652=)

Gene: RIMS1 (regulating synaptic membrane exocytosis 1; plus strand). Cytogenetic location: 6q13.
Variant type: single nucleotide variant.
Coding change: c.1956A>G on transcript NM_014989.7 (MANE Select); coding-DNA position 1956, A replaced by G.
Protein change: p.Ala652=; no amino-acid change (alanine 652 retained).
Molecular consequence: synonymous variant.
Genome position (GRCh38, 1-based): chr6:72,237,921, A>G. VCF-style: chr6-72237921-A-G. GRCh37 (hg19) VCF-style: chr6-72947624-A-G.
Other names: c.378A>G, p.Ala126= (NM_001168407.2, NM_001168408.2, NM_001350414.2 and 37 more transcripts); c.135A>G, p.Ala45= (NM_001168409.2, NM_001350461.2, NM_001350463.2 and 6 more transcripts); c.333A>G, p.Ala111= (NM_001168410.2, NM_001350470.2, NM_001350472.2 and 2 more transcripts); c.309A>G, p.Ala103= (NM_001350421.2, NM_001350424.2, NM_001350428.2 and 6 more transcripts).
Identifiers: ClinVar variation 960771 (VCV000960771.10), dbSNP rs764354585, ClinGen allele CA3885853.